The following is an entry in ClinVar:

NM_000094.4(COL7A1):c.4210G>A (p.Asp1404Asn)

Gene: COL7A1 (collagen type VII alpha 1 chain; minus strand). Cytogenetic location: 3p21.31.
Variant type: single nucleotide variant.
Coding change: c.4210G>A on transcript NM_000094.4 (MANE Select); coding-DNA position 4210, G replaced by A.
Protein change: p.Asp1404Asn; replaces aspartic acid 1404 with asparagine.
Molecular consequence: missense variant.
Genome position (GRCh38, 1-based): chr3:48,584,049, C>T on the plus strand (G>A on the coding strand, the complement: COL7A1 is on the minus strand). VCF-style: chr3-48584049-C-T. GRCh37 (hg19) VCF-style: chr3-48621482-C-T.
Other names: c.4210G>A (NM_000094.3); short protein forms D1404N.
Identifiers: ClinVar variation 1052763 (VCV001052763.9), dbSNP rs146659822, ClinGen allele CA2380162.
Genomic context (GRCh38, chr3:48,584,049, plus strand): 5'-GAATCAGACTCCAAGCCACCCCTAGCACAACCTGTCCCTCACTTACCCGCTCCCCACGAT[C>T]GCCTTTGTCACCCTAGAAAACAGATGACGACCCCATGACCCTGGGCCACACCTCACTCCC-3'
Protein context (NP_000085.1, residues 1394-1414): PGTAMKGDKG[Asp1404Asn]RGERGPPGPG

ClinVar aggregate classification (germline): Conflicting classifications of pathogenicity. Review status: criteria provided, conflicting classifications (1 of 4 stars). 5 submissions from 5 submitters: Uncertain significance (3); Likely benign (1). 1 of the submissions does not count toward it. Last evaluated 2026-02-02.

Conditions:
Inborn genetic diseases. Identifiers: MedGen C0950123, MeSH D030342.
COL7A1-related disorder. Also called: COL7A1-related condition; COL7A1- related disorders.
Recessive dystrophic epidermolysis bullosa (RDEB). Also called: Recessive DEB (RDEB); DYSTROPHIC EPIDERMOLYSIS BULLOSA, AUTOSOMAL RECESSIVE; EPIDERMOLYSIS BULLOSA DYSTROPHICA, HALLOPEAU-SIEMENS TYPE; severe generalized recessive dystrophic epidermolysis bullosa; EPIDERMOLYSIS BULLOSA DYSTROPHICA, GENERALIZED SEVERE, AUTOSOMAL RECESSIVE; Epidermolysis Bullosa Distrophica Autosomal Recessive (RDEB). Identifiers: Orphanet 79408, Orphanet 79409, MedGen C0079474, MONDO:0009179, OMIM 226600.
Epidermolysis bullosa dystrophica. Also called: Dystrophic epidermolysis bullosa, Hallopeau-Siemens type (formerly); Dystrophic epidermolysis bullosa. Identifiers: Orphanet 303, MedGen C0079294, MONDO:0006543.

Allele frequency attached by ClinVar (database versions not stated): gnomAD exomes 0.00001 and 0.00003; ExAC 0.00003; gnomAD 0.00005 and 0.00006; ESP Exome Variant Server 0.00008.
gnomAD v4.1: 47 of 1,614,048 alleles (0.0029%); highest among the groups gnomAD compares: Middle Eastern, 0.016%; no homozygotes.

Submissions (5):

Labcorp Genetics (formerly Invitae), Labcorp
Classification: Likely benign. Last evaluated: 2026-02-02. Review status: criteria provided, single submitter. Criteria: Invitae Variant Classification Sherloc (09022015). Collection method: clinical testing. Allele origin: germline.

Ambry Genetics
Classification: Uncertain significance for Inborn genetic diseases. Last evaluated: 2025-09-08. Review status: criteria provided, single submitter. Criteria: Ambry Variant Classification Scheme 2023. Collection method: clinical testing. Allele origin: germline.

PreventionGenetics, part of Exact Sciences
Classification: Uncertain significance for COL7A1-related condition. Last evaluated: 2025-05-08. Review status: criteria provided, single submitter. Criteria: ACMG Guidelines, 2015. Collection method: clinical testing. Allele origin: germline.
Comment: The COL7A1 c.4210G>A variant is predicted to result in the amino acid substitution p.Asp1404Asn. To our knowledge, this variant has not been reported in the literature. This variant is reported in 0.015% of alleles in individuals of East Asian descent in gnomAD. At this time, the clinical significance of this variant is uncertain due to the absence of conclusive functional and genetic evidence.

Department of Pathology and Laboratory Medicine, Sinai Health System
Classification: Uncertain significance for recessive dystrophic epidermolysis bullosa. Last evaluated: 2021-07-30. Review status: criteria provided, single submitter. Criteria: ACMG Guidelines, 2015. Collection method: research. Allele origin: germline.

Natera, Inc.
Classification: Uncertain significance for Dystrophic epidermolysis bullosa. Last evaluated: 2020-12-09. Review status: no assertion criteria provided. Collection method: clinical testing. Allele origin: germline. Not counted in ClinVar's aggregate classification.